The following is an entry in ClinVar:

ClinVar aggregate classification (germline): Uncertain significance (1 of 4 stars; one submission).

Submission:

GeneDx
Classification: Uncertain significance. Last evaluated: 2014-08-27. Review status: criteria provided, single submitter. Criteria: GeneDx Variant Classification (06012015). Collection method: clinical testing. Allele origin: germline. Affected: yes.
Comment: This variant is denoted NBN c.1486G>A at the cDNA level, p.Ala496Thr (A496T) at the protein level, and results in the change of an Alanine to a Threonine (GCT>ACT) in exon 11. This variant has not, to our knowledge, been published in the literature as either a mutation or a benign polymorphism. NBN Ala496Thr was not observed in approximately 6,500 individuals of European and African American ancestry in the NHLBI Exome Sequencing Project, indicating it is not a common benign variant in these populations. Since Alanine and Threonine differ in polarity, charge, size or other properties, this is considered a non-conservative amino acid substitution. NBN Ala496Thr alters a position that is poorly conserved across species and accepts Threonine in several species. This variant is not located in a known functional domain. In silico analyses predict that this variant is unlikely to alter protein structure or function. Based on currently available information, it is unclear whether NBN Ala496Thr is a pathogenic mutation or a benign variant. This variant has been seen apparently mosaic. The variant is found in BR-OV-HEREDIC panel(s).

NM_002485.5(NBN):c.1486G>A (p.Ala496Thr)

Gene: NBN (nibrin; minus strand). Cytogenetic location: 8q21.3.
Variant type: single nucleotide variant.
Coding change: c.1486G>A on transcript NM_002485.5 (MANE Select); coding-DNA position 1486, G replaced by A.
Protein change: p.Ala496Thr; replaces alanine 496 with threonine.
Molecular consequence: missense variant.
Genome position (GRCh38, 1-based): chr8:89,953,603, C>T on the plus strand (G>A on the coding strand, the complement: NBN is on the minus strand). VCF-style: chr8-89953603-C-T. GRCh37 (hg19) VCF-style: chr8-90965831-C-T.
Other names: p.A496T:GCT>ACT; c.1240G>A, p.Ala414Thr (NM_001024688.3); short protein forms A496T, A414T.
Identifiers: ClinVar variation 182736 (VCV000182736.2), dbSNP rs730881863, ClinGen allele CA299654.
Genomic context (GRCh38, chr8:89,953,603, plus strand): 5'-TGTCCACAGGCTCATTCTCAGATAGATGCTGCTCCTTATTTTTCCACAATGAGGGTGTAG[C>T]AGGTTGTGTTTGTTCTAAAAGAGAACAAGACGTTTCTATTCTTGCTGATTTGCATGAAGA-3'
Protein context (NP_002476.2, residues 486-506): SCSLLEQTQP[Ala496Thr]TPSLWKNKEQ